The following is an entry in ClinVar:

NM_005476.7(GNE):c.965A>G (p.Gln322Arg)

Gene: GNE (glucosamine (UDP-N-acetyl)-2-epimerase/N-acetylmannosamine kinase; minus strand). Cytogenetic location: 9p13.3.
Variant type: single nucleotide variant.
Coding change: c.965A>G on transcript NM_005476.7 (MANE Select); coding-DNA position 965, A replaced by G.
Protein change: p.Gln322Arg; replaces glutamine 322 with arginine.
Molecular consequence: missense variant.
Genome position (GRCh38, 1-based): chr9:36,233,937, T>C on the plus strand (A>G on the coding strand, the complement: GNE is on the minus strand). VCF-style: chr9-36233937-T-C. GRCh37 (hg19) VCF-style: chr9-36233934-T-C.
Other names: c.1058A>G, p.Gln353Arg (NM_001128227.3); c.965A>G, p.Gln322Arg (NM_001190383.3); c.635A>G, p.Gln212Arg (NM_001190384.3); c.788A>G, p.Gln263Arg (NM_001190388.2, NM_001374798.1); c.812A>G, p.Gln271Arg (NM_001374797.1); short protein forms Q212R, Q263R, Q271R, Q322R, Q353R.
Identifiers: ClinVar variation 1373041 (VCV001373041.6), dbSNP rs2133067920, ClinGen allele CA373430484.

ClinVar aggregate classification (germline): Uncertain significance (1 of 4 stars; one submission).

Conditions:
Sialuria. Also called: Sialic Acid Storage Disease; SIALURIA, FRENCH TYPE. Identifiers: Orphanet 3166, MedGen C0342853, MONDO:0010028, OMIM 269921.
GNE myopathy (NM). Also called: NONAKA DISTAL MYOPATHY; INCLUSION BODY MYOPATHY, HEREDITARY, AUTOSOMAL RECESSIVE; INCLUSION BODY MYOPATHY 2, AUTOSOMAL RECESSIVE; IBM 2; Inclusion body myopathy autosomal recessive; Inclusion body myopathy quadriceps sparing. Identifiers: Orphanet 602, MedGen C1853926, MONDO:0011603, OMIM 605820.

Submission:

Labcorp Genetics (formerly Invitae), Labcorp
Classification: Uncertain significance for Sialuria; GNE myopathy. Last evaluated: 2021-08-06. Review status: criteria provided, single submitter. Criteria: Invitae Variant Classification Sherloc (09022015). Collection method: clinical testing. Allele origin: germline.
Comment: In summary, the available evidence is currently insufficient to determine the role of this variant in disease. Therefore, it has been classified as a Variant of Uncertain Significance. This sequence change replaces glutamine with arginine at codon 353 of the GNE protein (p.Gln353Arg). The glutamine residue is highly conserved and there is a small physicochemical difference between glutamine and arginine. This variant is not present in population databases (ExAC no frequency). This variant has not been reported in the literature in individuals affected with GNE-related conditions. Algorithms developed to predict the effect of missense changes on protein structure and function (SIFT, PolyPhen-2, Align-GVGD) all suggest that this variant is likely to be disruptive.